The following is an entry in ClinVar:

NM_001999.4(FBN2):c.5397T>G (p.Phe1799Leu)

Gene: FBN2 (fibrillin 2; minus strand). Cytogenetic location: 5q23.3.
Variant type: single nucleotide variant.
Coding change: c.5397T>G on transcript NM_001999.4 (MANE Select); coding-DNA position 5397, T replaced by G.
Protein change: p.Phe1799Leu; replaces phenylalanine 1799 with leucine.
Molecular consequence: missense variant.
Genome position (GRCh38, 1-based): chr5:128,307,160, A>C on the plus strand (T>G on the coding strand, the complement: FBN2 is on the minus strand). VCF-style: chr5-128307160-A-C. GRCh37 (hg19) VCF-style: chr5-127642852-A-C.
Other names: short protein forms F1799L.
Identifiers: ClinVar variation 2632744 (VCV002632744.1), dbSNP rs548057228, ClinGen allele CA3394715.

ClinVar aggregate classification (germline): Uncertain significance (1 of 4 stars; one submission).

Conditions:
FBN2-related disorder. Also called: FBN2-related condition.

Allele frequency attached by ClinVar (database versions not stated): gnomAD 0.00001; ExAC 0.00002; 1000 Genomes Project 30x 0.00016; 1000 Genomes Project 0.00020.
gnomAD v4.1: 1 of 1,611,246 alleles (0.000062%); highest among the groups gnomAD compares: African/African-American, 0.0013%; no homozygotes.

Submission:

PreventionGenetics, part of Exact Sciences
Classification: Uncertain significance for FBN2-related condition. Last evaluated: 2023-05-14. Review status: criteria provided, single submitter. Criteria: ACMG Guidelines, 2015. Collection method: clinical testing. Allele origin: germline.
Comment: The FBN2 c.5397T>G variant is predicted to result in the amino acid substitution p.Phe1799Leu. To our knowledge, this variant has not been reported in the literature. This variant is reported in 0.00088% of alleles in individuals of European (Non-Finnish) descent in gnomAD. At this time, the clinical significance of this variant is uncertain due to the absence of conclusive functional and genetic evidence.